The following is an entry in ClinVar:

ClinVar aggregate classification (germline): Uncertain significance. Review status: criteria provided, multiple submitters, no conflicts (2 of 4 stars). 2 submissions from 2 submitters: Uncertain significance (2). Last evaluated 2025-05-09.

Conditions:
Gastrointestinal stromal tumor. Also called: Gastrointestinal stromal tumor, somatic; Gastrointestinal stroma tumor. Identifiers: Orphanet 44890, MedGen C0238198, MeSH D046152, MONDO:0011719, OMIM 606764, HP:0100723.
Hereditary cancer-predisposing syndrome. Also called: Hereditary neoplastic syndrome; Neoplastic Syndromes, Hereditary; Hereditary Cancer Syndrome; Tumor predisposition. Identifiers: Orphanet 140162, MedGen C0027672, MeSH D009386, MONDO:0015356.

gnomAD v4.1: 2 of 1,614,064 alleles (0.00012%); highest among the groups gnomAD compares: Non-Finnish European, 0.00017%; no homozygotes.

Submissions (2):

Ambry Genetics
Classification: Uncertain significance for Hereditary cancer-predisposing syndrome. Last evaluated: 2025-05-09. Review status: criteria provided, single submitter. Criteria: Ambry Variant Classification Scheme 2023. Collection method: clinical testing. Allele origin: germline.
Comment: The p.S566G variant (also known as c.1696A>G), located in coding exon 11 of the PDGFRA gene, results from an A to G substitution at nucleotide position 1696. The serine at codon 566 is replaced by glycine, an amino acid with similar properties. This amino acid position is conserved. In addition, this alteration is predicted to be deleterious by in silico analysis. Since supporting evidence is limited at this time, the clinical significance of this alteration remains unclear.

Labcorp Genetics (formerly Invitae), Labcorp
Classification: Uncertain significance for Gastrointestinal stromal tumor. Last evaluated: 2022-04-19. Review status: criteria provided, single submitter. Criteria: Invitae Variant Classification Sherloc (09022015). Collection method: clinical testing. Allele origin: germline.
Comment: In summary, the available evidence is currently insufficient to determine the role of this variant in disease. Therefore, it has been classified as a Variant of Uncertain Significance. This sequence change replaces serine, which is neutral and polar, with glycine, which is neutral and non-polar, at codon 566 of the PDGFRA protein (p.Ser566Gly). This variant is not present in population databases (gnomAD no frequency). Algorithms developed to predict the effect of missense changes on protein structure and function are either unavailable or do not agree on the potential impact of this missense change (SIFT: "Tolerated"; PolyPhen-2: "Probably Damaging"; Align-GVGD: "Class C0"). This variant has not been reported in the literature in individuals affected with PDGFRA-related conditions. ClinVar contains an entry for this variant (Variation ID: 949810).

NM_006206.6(PDGFRA):c.1696A>G (p.Ser566Gly)

Gene: PDGFRA (platelet derived growth factor receptor alpha; plus strand). Cytogenetic location: 4q12.
Variant type: single nucleotide variant.
Coding change: c.1696A>G on transcript NM_006206.6 (MANE Select); coding-DNA position 1696, A replaced by G.
Protein change: p.Ser566Gly; replaces serine 566 with glycine.
Molecular consequence: missense variant.
Genome position (GRCh38, 1-based): chr4:54,274,883, A>G. VCF-style: chr4-54274883-A-G. GRCh37 (hg19) VCF-style: chr4-55141050-A-G.
Other names: c.1696A>G, p.Ser566Gly (NM_001347827.2, NM_001347829.2); c.1771A>G, p.Ser591Gly (NM_001347828.2); c.1735A>G, p.Ser579Gly (NM_001347830.2); short protein forms S579G, S591G, S566G.
Identifiers: ClinVar variation 949810 (VCV000949810.13), dbSNP rs1723633126, ClinGen allele CA356893107.